The following is an entry in ClinVar:

NM_000047.3(ARSL):c.23+5G>C

Gene: ARSL (arylsulfatase L; minus strand). Cytogenetic location: Xp22.33.
Variant type: single nucleotide variant.
Coding change: c.23+5G>C on transcript NM_000047.3 (MANE Select); 5 bases into the intron after coding-DNA position 23, G replaced by C.
Molecular consequence: intron variant.
Genome position (GRCh38, 1-based): chrX:2,960,373, C>G on the plus strand (G>C on the coding strand, the complement: ARSL is on the minus strand). VCF-style: chrX-2960373-C-G. GRCh37 (hg19) VCF-style: chrX-2878414-C-G.
Other names: c.-189+5G>C (NM_001282628.2, NM_001369080.1); c.23+5G>C (NM_001282631.2); c.50+5G>C (NM_001369079.1).
Identifiers: ClinVar variation 772566 (VCV000772566.23), dbSNP rs200062390, ClinGen allele CA10338290.

ClinVar aggregate classification (germline): Conflicting classifications of pathogenicity. Review status: criteria provided, conflicting classifications (1 of 4 stars). 7 submissions from 7 submitters: Uncertain significance (2); Benign (1); Likely benign (1). 3 of the submissions do not count toward it. Last evaluated 2026-01-31.

Conditions:
Connective tissue disorder. Also called: Connective tissue disease. Identifiers: MedGen C0009782, MONDO:0003900.
Chondrodysplasia punctata, brachytelephalangic, autosomal. Also called: BRACHYTELEPHALANGIC CHONDRODYSPLASIA PUNCTATA. Identifiers: MedGen C1844853, MONDO:0011238, OMIM 602497.

Allele frequency attached by ClinVar (database versions not stated): ESP Exome Variant Server 0.00028; gnomAD 0.00065 and 0.00068; TOPMed 0.00072; gnomAD exomes 0.00099; ExAC 0.00121.
gnomAD v4.1: 1,083 of 1,141,287 alleles (0.095%); highest among the groups gnomAD compares: Non-Finnish European, 0.12%; 1 homozygote.

Submissions (12):

Labcorp Genetics (formerly Invitae), Labcorp
Classification: Benign for Chondrodysplasia punctata, brachytelephalangic, autosomal. Last evaluated: 2026-01-31. Review status: criteria provided, single submitter. Criteria: Invitae Variant Classification Sherloc (09022015). Collection method: clinical testing. Allele origin: germline.

Blueprint Genetics
Classification: Likely benign. Last evaluated: 2024-11-13. Review status: criteria provided, single submitter. Criteria: ACMG Guidelines, 2015. Collection method: clinical testing. Allele origin: germline.

GeneDx
Classification: Uncertain significance. Last evaluated: 2024-02-01. Review status: criteria provided, single submitter. Criteria: GeneDx Variant Classification Process June 2021. Collection method: clinical testing. Allele origin: germline. Affected: yes.
Comment: In silico analysis supports a deleterious effect on splicing; Has not been previously published as pathogenic or benign to our knowledge

Genome Diagnostics Laboratory, The Hospital for Sick Children
Classification: Uncertain significance for Connective tissue disorder. Last evaluated: 2020-03-01. Review status: criteria provided, single submitter. Criteria: ACMG Guidelines, 2015. Collection method: clinical testing. Allele origin: germline.

Clinical Genetics DNA and cytogenetics Diagnostics Lab, Erasmus MC, Erasmus Medical Center
Classification: Likely benign. Review status: no assertion criteria provided. Collection method: clinical testing. Allele origin: germline. Affected: yes. Study: VKGL Data-share Consensus. Not counted in ClinVar's aggregate classification.

Diagnostic Laboratory, Department of Genetics, University Medical Center Groningen
Classification: Benign. Review status: no assertion criteria provided. Collection method: clinical testing. Allele origin: germline. Affected: yes. Study: VKGL Data-share Consensus. Not counted in ClinVar's aggregate classification.

Dr. Peter K. Rogan Lab, Western University
No classification provided (evidence only). Condition: Colon adenocarcinoma. Review status: no classification provided. Collection method: in vitro. Allele origin: not applicable. Functional consequence: skipped exon, retained intron. Not counted in ClinVar's aggregate classification.

Dr. Peter K. Rogan Lab, Western University
No classification provided (evidence only). Condition: Uterine corpus endometrial carcinoma. Review status: no classification provided. Collection method: in vitro. Allele origin: not applicable. Functional consequence: skipped exon. Not counted in ClinVar's aggregate classification.

Dr. Peter K. Rogan Lab, Western University
No classification provided (evidence only). Condition: Cervical cancer. Review status: no classification provided. Collection method: in vitro. Allele origin: not applicable. Functional consequence: retained intron. Not counted in ClinVar's aggregate classification.

Dr. Peter K. Rogan Lab, Western University
No classification provided (evidence only). Condition: Thymoma. Review status: no classification provided. Collection method: in vitro. Allele origin: not applicable. Functional consequence: retained intron. Not counted in ClinVar's aggregate classification.

Dr. Peter K. Rogan Lab, Western University
No classification provided (evidence only). Condition: Uveal melanoma. Review status: no classification provided. Collection method: in vitro. Allele origin: not applicable. Functional consequence: skipped exon. Not counted in ClinVar's aggregate classification.

Laboratory of Diagnostic Genome Analysis, Leiden University Medical Center (LUMC)
Classification: Likely benign. Review status: no assertion criteria provided. Collection method: clinical testing. Allele origin: germline. Affected: yes. Study: VKGL Data-share Consensus. Not counted in ClinVar's aggregate classification.